The following is an entry in ClinVar:

ClinVar aggregate classification (germline): Pathogenic/Likely pathogenic. Review status: criteria provided, multiple submitters, no conflicts (2 of 4 stars). 3 submissions from 3 submitters: Pathogenic (1); Likely pathogenic (1). 1 of the submissions does not count toward it. Last evaluated 2024-03-22.

Conditions:
Finnish congenital nephrotic syndrome (NPHS1). Also called: NEPHROTIC SYNDROME, TYPE 1. Identifiers: Orphanet 839, MedGen C0403399, MONDO:0009732, OMIM 256300.

Allele frequency attached by ClinVar (database versions not stated): gnomAD exomes below 0.00001 and 0.00001; ExAC 0.00001.
gnomAD v4.1: 3 of 1,614,092 alleles (0.00019%); highest among the groups gnomAD compares: South Asian, 0.0033%; no homozygotes.

Submissions (3):

Baylor Genetics
Classification: Pathogenic for Finnish congenital nephrotic syndrome. Last evaluated: 2024-03-22. Review status: criteria provided, single submitter. Criteria: ACMG Guidelines, 2015. Collection method: clinical testing. Allele origin: unknown.

Fulgent Genetics
Classification: Likely pathogenic for Finnish congenital nephrotic syndrome. Last evaluated: 2024-02-10. Review status: criteria provided, single submitter. Criteria: ACMG Guidelines, 2015. Collection method: clinical testing. Allele origin: germline.

Juha Muilu Group; Institute for Molecular Medicine Finland (FIMM)
Classification: Likely pathogenic for Finnish congenital nephrotic syndrome. Review status: no assertion criteria provided. Collection method: not provided. Allele origin: unknown. Not counted in ClinVar's aggregate classification.
Comment: FinDis database variant: This variant was not found or characterized by our laboratory, data were collected from public sources: see reference
ClinVar note: Converted during submission from probable-pathogenic to Likely pathogenic.

NM_004646.4(NPHS1):c.3595-2A>G

Gene: NPHS1 (NPHS1 adhesion molecule, nephrin; minus strand). Cytogenetic location: 19q13.12.
Variant type: single nucleotide variant.
Coding change: c.3595-2A>G on transcript NM_004646.4 (MANE Select); the canonical splice acceptor site of the intron before coding-DNA position 3595, A replaced by G.
Molecular consequence: splice acceptor variant.
Genome position (GRCh38, 1-based): chr19:35,826,647, T>C on the plus strand (A>G on the coding strand, the complement: NPHS1 is on the minus strand). VCF-style: chr19-35826647-T-C. GRCh37 (hg19) VCF-style: chr19-36317549-T-C.
Identifiers: ClinVar variation 56502 (VCV000056502.5), dbSNP rs386833940, ClinGen allele CA250234.